The following is an entry in ClinVar:

NM_014975.3(MAST1):c.3398C>G (p.Pro1133Arg)

Gene: MAST1 (microtubule associated serine/threonine kinase 1; plus strand). Cytogenetic location: 19p13.13.
Variant type: single nucleotide variant.
Coding change: c.3398C>G on transcript NM_014975.3 (MANE Select); coding-DNA position 3398, C replaced by G.
Protein change: p.Pro1133Arg; replaces proline 1133 with arginine.
Molecular consequence: missense variant.
Genome position (GRCh38, 1-based): chr19:12,873,458, C>G. VCF-style: chr19-12873458-C-G. GRCh37 (hg19) VCF-style: chr19-12984272-C-G.
Other names: short protein forms P1133R.
Identifiers: ClinVar variation 4085325 (VCV004085325.8).

ClinVar aggregate classification (germline): Uncertain significance (1 of 4 stars; one submission).

gnomAD v4.1: 2 of 1,610,760 alleles (0.00012%); highest among the groups gnomAD compares: South Asian, 0.0011%; no homozygotes.

Submission:

CeGaT Center for Human Genetics Tuebingen
Classification: Uncertain significance. Last evaluated: 2025-07-01. Review status: criteria provided, single submitter. Criteria: CeGaT Center For Human Genetics Tuebingen Variant Classification Criteria Version 2. Collection method: clinical testing. Allele origin: germline. Affected: yes. Observed: 1 variant allele.
Comment: MAST1: PM2:Supporting